The following is an entry in ClinVar:

NC_000017.10:g.(?_41219605)_(41223340_?)dup

Gene: BRCA1 (BRCA1 DNA repair associated; minus strand). Cytogenetic location: 17q21.31.
Variant type: Duplication.
Identifiers: ClinVar variation 3243004 (VCV003243004.1).

ClinVar aggregate classification (germline): Uncertain significance (1 of 4 stars; one submission).

Conditions:
Hereditary breast ovarian cancer syndrome. Also called: Hereditary breast and ovarian cancer syndrome; Hereditary breast and ovarian cancer; Hereditary breast and ovarian cancer syndrome (HBOC); Breast and ovarian cancer; Hereditary breast and/or ovarian cancer syndrome; BRCA1- and BRCA2-Associated Hereditary Breast and Ovarian Cancer. Identifiers: Orphanet 145, MedGen C0677776, MeSH D061325, MONDO:0003582. Disease mechanism: loss of function.

Submission:

Labcorp Genetics (formerly Invitae), Labcorp
Classification: Uncertain significance for Hereditary breast ovarian cancer syndrome. Last evaluated: 2023-01-31. Review status: criteria provided, single submitter. Criteria: Invitae Variant Classification Sherloc (09022015). Collection method: clinical testing. Allele origin: unknown.
Comment: In summary, the available evidence is currently insufficient to determine the role of this variant in disease. Therefore, it has been classified as a Variant of Uncertain Significance. Experimental studies and prediction algorithms are not available or were not evaluated, and the functional significance of this variant is currently unknown. This variant has not been reported in the literature in individuals affected with BRCA1-related conditions. This variant results in a copy number gain of the genomic region encompassing exon(s) 15-16 of the BRCA1 gene. While the exact position of this variant cannot be determined from the data, sub-genic copy number gains are generally in tandem (PMID: 25640679). This variant is predicted to be in-frame, and likely preserves the integrity of the reading frame.

Literature cited by the submitters: PubMed 25640679.